The following is an entry in ClinVar:

ClinVar aggregate classification (germline): Uncertain significance (1 of 4 stars; one submission).

gnomAD v4.1: 56 of 1,613,854 alleles (0.0035%); highest among the groups gnomAD compares: African/African-American, 0.0053%; no homozygotes.

Submission:

Labcorp Genetics (formerly Invitae), Labcorp
Classification: Uncertain significance. Last evaluated: 2025-05-22. Review status: criteria provided, single submitter. Criteria: Invitae Variant Classification Sherloc (09022015). Collection method: clinical testing. Allele origin: germline.
Comment: This sequence change replaces arginine, which is basic and polar, with glutamine, which is neutral and polar, at codon 204 of the KLHDC8B protein (p.Arg204Gln). This variant is present in population databases (rs139371579, gnomAD 0.005%). This missense change has been observed in individual(s) with high myopia (PMID: 28384719). ClinVar contains an entry for this variant (Variation ID: 3720514). An algorithm developed to predict the effect of missense changes on protein structure and function (PolyPhen-2) suggests that this variant is likely to be disruptive. In summary, the available evidence is currently insufficient to determine the role of this variant in disease. Therefore, it has been classified as a Variant of Uncertain Significance.

Literature cited by the submitters: PubMed 28384719.

NM_173546.3(KLHDC8B):c.611G>A (p.Arg204Gln)

Gene: KLHDC8B (kelch domain containing 8B; plus strand). Cytogenetic location: 3p21.31.
Variant type: single nucleotide variant.
Coding change: c.611G>A on transcript NM_173546.3 (MANE Select); coding-DNA position 611, G replaced by A.
Protein change: p.Arg204Gln; replaces arginine 204 with glutamine.
Molecular consequence: missense variant.
Genome position (GRCh38, 1-based): chr3:49,174,811, G>A. VCF-style: chr3-49174811-G-A. GRCh37 (hg19) VCF-style: chr3-49212244-G-A.
Other names: short protein forms R204Q.
Identifiers: ClinVar variation 3720514 (VCV003720514.2).
Genomic context (GRCh38, chr3:49,174,811, plus strand): 5'-AGGGCAAGCTCCCGGTGACTGCTTTTGAAGCCTTTGATCTGGAGGCCCGTACATGGACCC[G>A]GCATCCAAGCCTACCCAGCCGTCGGGCCTTTGCTGGCTGCGCCATGGCTGAAGGCAGCGT-3'
Protein context (NP_775817.1, residues 194-214): AFDLEARTWT[Arg204Gln]HPSLPSRRAF